The following is an entry in ClinVar:

NM_000142.5(FGFR3):c.630G>A (p.Gln210=)

Gene: FGFR3 (fibroblast growth factor receptor 3; plus strand). Cytogenetic location: 4p16.3.
Variant type: single nucleotide variant.
Coding change: c.630G>A on transcript NM_000142.5 (MANE Select); coding-DNA position 630, G replaced by A.
Protein change: p.Gln210=; no amino-acid change (glutamine 210 retained).
Molecular consequence: synonymous variant. On other transcripts: non-coding transcript variant (1).
Genome position (GRCh38, 1-based): chr4:1,801,634, G>A. VCF-style: chr4-1801634-G-A. GRCh37 (hg19) VCF-style: chr4-1803361-G-A.
Other names: c.630G>A, p.Gln210= (NM_001163213.2, NM_001354809.2, NM_001354810.2 and 1 more transcripts).
Identifiers: ClinVar variation 1312813 (VCV001312813.9), dbSNP rs777091470, ClinGen allele CA2809906.
Genomic context (GRCh38, chr4:1,801,634, plus strand): 5'-GGTGGTTGCTGCCTCCGCTCACTCACCCGCCCGCGTCCCGGTGCAGCTGCGGCATCAGCA[G>A]TGGAGCCTGGTCATGGAAAGCGTGGTGCCCTCGGACCGCGGCAACTACACCTGCGTCGTG-3'
Protein context (NP_000133.1, residues 200-220): RIGGIKLRHQ[Gln210=]WSLVMESVVP

ClinVar aggregate classification (germline): Conflicting classifications of pathogenicity. Review status: criteria provided, conflicting classifications (1 of 4 stars). 2 submissions from 2 submitters: Uncertain significance (1); Likely benign (1). Last evaluated 2023-03-31.

Allele frequency attached by ClinVar (database versions not stated): ExAC 0.00001; gnomAD 0.00001; gnomAD exomes 0.00002.
gnomAD v4.1: 46 of 1,610,574 alleles (0.0029%); highest among the groups gnomAD compares: Non-Finnish European, 0.0033%; no homozygotes.

Submissions (2):

Labcorp Genetics (formerly Invitae), Labcorp
Classification: Likely benign. Last evaluated: 2023-03-31. Review status: criteria provided, single submitter. Criteria: Invitae Variant Classification Sherloc (09022015). Collection method: clinical testing. Allele origin: germline.

GeneDx
Classification: Uncertain significance. Last evaluated: 2020-06-24. Review status: criteria provided, single submitter. Criteria: GeneDx Variant Classification Process June 2021. Collection method: clinical testing. Allele origin: germline. Affected: yes.
Comment: In silico analysis supports that this variant does not alter splicing; Has not been previously published as pathogenic or benign to our knowledge